The following is an entry in ClinVar:

NM_000218.3(KCNQ1):c.1394-13_1394-12del

Genes: KCNQ1 (potassium voltage-gated channel subfamily Q member 1; plus strand), KCNQ1OT1 (KCNQ1 opposite strand/antisense transcript 1; minus strand). Cytogenetic location: 11p15.5.
Variant type: Microsatellite.
Coding change: c.1394-13_1394-12del on transcript NM_000218.3 (MANE Select); 13 bases into the intron before coding-DNA position 1394 through 12 bases into the intron before coding-DNA position 1394, 2 bases deleted (AC; older notation c.1394-13_1394-12delAC).
Molecular consequence: intron variant.
Genome position (GRCh38, 1-based): chr11:2,661,948-2,661,949, AC deleted; deleting any 2 consecutive bases within chr11:2,661,945-2,661,949 gives the same sequence; the c. name uses the placement nearest the transcript's 3' end. VCF-style (leftmost placement, unchanged base first): chr11-2661944-CCA-C. GRCh37 (hg19) VCF-style: chr11-2683174-CCA-C.
Other names: c.1124-13_1124-12del (NM_001406837.1); c.1298-13_1298-12del (NM_001406836.1); c.854-13_854-12del (NM_001406838.1); c.1013-13_1013-12del (NM_181798.2); c.1394-13_1394-12delAC (NM_000218.2).
Identifiers: ClinVar variation 629070 (VCV000629070.18), dbSNP rs550005589, ClinGen allele CA029484.

ClinVar aggregate classification (germline): Likely benign. Review status: criteria provided, multiple submitters, no conflicts (2 of 4 stars). 6 submissions from 6 submitters: Likely benign (4). 2 of the submissions do not count toward it. Last evaluated 2025-11-08.

Conditions:
Long QT syndrome (LQTS). Identifiers: MedGen C0023976, MeSH D008133, MONDO:0002442. Disease mechanism: loss of function. Inheritance: Various modes of inheritance.
Cardiac arrhythmia. Also called: Cardiac rhythm disease; Arrhythmia. Identifiers: MedGen C0003811, MONDO:0007263, HP:0011675.

Submissions (6):

Labcorp Genetics (formerly Invitae), Labcorp
Classification: Likely benign for Long QT syndrome. Last evaluated: 2025-11-08. Review status: criteria provided, single submitter. Criteria: Invitae Variant Classification Sherloc (09022015). Collection method: clinical testing. Allele origin: germline.

All of Us Research Program, National Institutes of Health
Classification: Likely benign for Long QT syndrome. Last evaluated: 2024-08-06. Review status: criteria provided, single submitter. Criteria: ACMG Guidelines, 2015. Collection method: clinical testing. Allele origin: germline. Inheritance: Autosomal dominant inheritance. Observed: 29 variant alleles, 29 heterozygotes.
Comment: This study involves interpretation of variants in research participants for the purpose of population health screening. Participant phenotype was not available at the time of variant classification. Additional details can be found in publication PMID: 35346344, PMCID: PMC8962531

Color Diagnostics, LLC DBA Color Health
Classification: Likely benign for Arrhythmia. Last evaluated: 2018-08-17. Review status: criteria provided, single submitter. Criteria: ACMG Guidelines, 2015. Collection method: clinical testing. Allele origin: germline.

GeneDx
Classification: Likely benign. Last evaluated: 2018-06-12. Review status: criteria provided, single submitter. Criteria: GeneDx Variant Classification (06012015). Collection method: clinical testing. Allele origin: germline. Affected: yes.
Comment: This variant is considered likely benign or benign based on one or more of the following criteria: it is a conservative change, it occurs at a poorly conserved position in the protein, it is predicted to be benign by multiple in silico algorithms, and/or has population frequency not consistent with disease.

Clinical Genetics, Academic Medical Center
Classification: Benign. Review status: no assertion criteria provided. Collection method: clinical testing. Allele origin: germline. Affected: yes. Study: VKGL Data-share Consensus. Not counted in ClinVar's aggregate classification.

Joint Genome Diagnostic Labs from Nijmegen and Maastricht, Radboudumc and MUMC+
Classification: Benign. Review status: no assertion criteria provided. Collection method: clinical testing. Allele origin: germline. Affected: yes. Study: VKGL Data-share Consensus. Not counted in ClinVar's aggregate classification.